The following is an entry in ClinVar:

NM_058179.4(PSAT1):c.395C>G (p.Thr132Arg)

Gene: PSAT1 (phosphoserine aminotransferase 1; plus strand). Cytogenetic location: 9q21.2.
Variant type: single nucleotide variant.
Coding change: c.395C>G on transcript NM_058179.4 (MANE Select); coding-DNA position 395, C replaced by G.
Protein change: p.Thr132Arg; replaces threonine 132 with arginine.
Molecular consequence: missense variant.
Genome position (GRCh38, 1-based): chr9:78,304,938, C>G. VCF-style: chr9-78304938-C-G. GRCh37 (hg19) VCF-style: chr9-80919854-C-G.
Other names: c.395C>G, p.Thr132Arg (NM_021154.5); short protein forms T132R.
Identifiers: ClinVar variation 569328 (VCV000569328.9), dbSNP rs1564013551, ClinGen allele CA373872586.

ClinVar aggregate classification (germline): Uncertain significance. Review status: criteria provided, single submitter (1 of 4 stars). 2 submissions from 2 submitters: Uncertain significance (1). 1 of the submissions does not count toward it. Last evaluated 2021-08-24.

Conditions:
Neu-Laxova syndrome 2. Identifiers: Orphanet 2671, Orphanet 583602, MedGen C4015019, MONDO:0014466, OMIM 616038.

Allele frequency attached by ClinVar (database versions not stated): gnomAD exomes below 0.00001.
gnomAD v4.1: 1 of 1,612,288 alleles (0.000062%); highest among the groups gnomAD compares: South Asian, 0.0011%; no homozygotes.

Submissions (2):

Labcorp Genetics (formerly Invitae), Labcorp
Classification: Uncertain significance for Neu-Laxova syndrome 2. Last evaluated: 2021-08-24. Review status: criteria provided, single submitter. Criteria: Invitae Variant Classification Sherloc (09022015). Collection method: clinical testing. Allele origin: germline.
Comment: This sequence change replaces threonine with arginine at codon 132 of the PSAT1 protein (p.Thr132Arg). The threonine residue is moderately conserved and there is a moderate physicochemical difference between threonine and arginine. This variant is not present in population databases (ExAC no frequency). This variant has not been reported in the literature in individuals affected with PSAT1-related conditions. Algorithms developed to predict the effect of missense changes on protein structure and function (SIFT, PolyPhen-2, Align-GVGD) all suggest that this variant is likely to be tolerated. In summary, the available evidence is currently insufficient to determine the role of this variant in disease. Therefore, it has been classified as a Variant of Uncertain Significance.

Dudley Research Group, Pacific Northwest Research Institute
No classification provided. Review status: no classification provided. Collection method: research, in vivo. Allele origin: unknown, not applicable. Functional consequence: functionally_normal. Not counted in ClinVar's aggregate classification.